The following is an entry in ClinVar:

NM_001378030.1(CCDC78):c.325C>T (p.Gln109Ter)

Gene: CCDC78 (coiled-coil domain containing 78; minus strand). Cytogenetic location: 16p13.3.
Variant type: single nucleotide variant.
Coding change: c.325C>T on transcript NM_001378030.1 (MANE Select); coding-DNA position 325, C replaced by T.
Protein change: p.Gln109Ter; replaces glutamine 109 with a stop codon.
Molecular consequence: nonsense. On other transcripts: non-coding transcript variant (5), intron variant (1).
Genome position (GRCh38, 1-based): chr16:725,523, G>A on the plus strand (C>T on the coding strand, the complement: CCDC78 is on the minus strand). VCF-style: chr16-725523-G-A. GRCh37 (hg19) VCF-style: chr16-775523-G-A.
Other names: c.325C>T, p.Gln109Ter (NM_001031737.3, NM_001378031.1); c.-18-230C>T (NM_001378033.1); short protein forms Q109*.
Identifiers: ClinVar variation 971278 (VCV000971278.6), dbSNP rs1042253618, ClinGen allele CA276520867.

ClinVar aggregate classification (germline): Uncertain significance (1 of 4 stars; one submission).

Conditions:
Congenital myopathy with internal nuclei and atypical cores. Also called: Myopathy, centronuclear, 4. Identifiers: Orphanet 319160, MedGen C4707232, MONDO:0013890, OMIM 614807.

Submission:

Labcorp Genetics (formerly Invitae), Labcorp
Classification: Uncertain significance for Congenital myopathy with internal nuclei and atypical cores. Last evaluated: 2019-10-03. Review status: criteria provided, single submitter. Criteria: Invitae Variant Classification Sherloc (09022015). Collection method: clinical testing. Allele origin: germline.
Comment: In summary, the available evidence is currently insufficient to determine the role of this variant in disease. Therefore, it has been classified as a Variant of Uncertain Significance. The current clinical and genetic evidence is not sufficient to establish whether loss-of-function variants in CCDC78 cause disease. This variant has not been reported in the literature in individuals with CCDC78-related conditions. This variant is not present in population databases (ExAC no frequency). This sequence change creates a premature translational stop signal (p.Gln109*) in the CCDC78 gene. It is expected to result in an absent or disrupted protein product.